The following is an entry in ClinVar:

NM_001267550.2(TTN):c.7132_7142del (p.Lys2378fs)

Genes: TTN (titin; minus strand), LOC126806433 (BRD4-independent group 4 enhancer GRCh37_chr2:179638309-179639508; plus strand). Cytogenetic location: 2q31.2.
Variant type: Deletion.
Coding change: c.7132_7142del on transcript NM_001267550.2 (MANE Select); coding-DNA positions 7132 to 7142, 11 bases deleted (AAAGTCTCCTT).
Protein change: p.Lys2378fs; shifts the reading frame from lysine 2378.
Molecular consequence: frameshift variant.
Genome position (GRCh38, 1-based): chr2:178,774,026-178,774,036, AAGGAGACTTT deleted on the plus strand (AAAGTCTCCTT on the coding strand, the reverse complement: TTN is on the minus strand); deleting any 11 consecutive bases within chr2:178,774,026-178,774,038 gives the same sequence; the c. name uses the placement nearest the transcript's 3' end. VCF-style (leftmost placement, unchanged base first): chr2-178774025-CAAGGAGACTTT-C. GRCh37 (hg19) VCF-style: chr2-179638752-CAAGGAGACTTT-C.
Other names: c.7132_7142del, p.Lys2378fs (NM_001256850.1, NM_133378.4, NM_133379.5); c.6994_7004del, p.Lys2332fs (NM_003319.4, NM_133432.3, NM_133437.4); short protein forms K2332fs, K2378fs.
Identifiers: ClinVar variation 4852180 (VCV004852180.1).
Genomic context (GRCh38, chr2:178,774,025, plus strand): 5'-AACCCTGTCACTGGGCTGCACTTCTTGGCCGTCTTTCATCCAGACGCCTTCCACACTTTC[CAAGGAGACTTT>C]AACTTCAAGCTGAACAATGTCACCCTCACAGACTTTTTGGTCACTAAGTCCTTGTAGGAT-3'

ClinVar aggregate classification (germline): Likely pathogenic (1 of 4 stars; one submission).

Conditions:
Dilated cardiomyopathy 1G (CMD1G). Identifiers: Orphanet 154, MedGen C1858763, MONDO:0011400, OMIM 604145.

Submission:

Variantyx, Inc.
Classification: Likely pathogenic for Dilated cardiomyopathy 1G. Last evaluated: 2025-10-21. Review status: criteria provided, single submitter. Criteria: Variantyx Assertion Criteria 2022. Collection method: clinical testing. Allele origin: germline. Inheritance: Autosomal dominant inheritance. Affected: yes.
Comment: This is a frameshift variant in the TTN gene (OMIM: 188840). Pathogenic variants in this gene have been associated with autosomal dominant dilated cardiomyopathy 1G. This variant introduces a premature termination codon in exon 31 out of 363and is expected to result in loss of function, which is a known disease mechanism for TTN in this disorder (PMID: 25589632, 27869827) (PVS1). This frameshift is located in the I-band region of titin (PSI=100%). It is absent from control populations (PM2) and it has not been reported in individuals with TTN-related disorders in the databases available for review. Based on the current evidence, this variant is classified as likely pathogenic for autosomal dominant dilated cardiomyopathy 1G.

Literature cited by the submitters: PubMed 25589632; PubMed 27869827.